The following is an entry in ClinVar:

ClinVar aggregate classification (germline): Conflicting classifications of pathogenicity. Review status: criteria provided, conflicting classifications (1 of 4 stars). 13 submissions from 13 submitters: Uncertain significance (2); Likely benign (8). 3 of the submissions do not count toward it. Last evaluated 2026-01-17.

Conditions:
BRCA2-related disorder. Also called: BRCA2-related condition; BRCA2-related disorders. Identifiers: MedGen CN239275.
Hereditary cancer-predisposing syndrome. Also called: Hereditary Cancer Syndrome; Tumor predisposition; Neoplastic Syndromes, Hereditary; Hereditary neoplastic syndrome. Identifiers: Orphanet 140162, MedGen C0027672, MeSH D009386, MONDO:0015356.
Hereditary breast ovarian cancer syndrome. Also called: Hereditary breast and ovarian cancer syndrome; Hereditary breast and/or ovarian cancer syndrome; Hereditary breast and ovarian cancer; Hereditary breast and ovarian cancer syndrome (HBOC); Breast and ovarian cancer; BRCA1- and BRCA2-Associated Hereditary Breast and Ovarian Cancer. Identifiers: Orphanet 145, MedGen C0677776, MeSH D061325, MONDO:0003582. Disease mechanism: loss of function.
Breast-ovarian cancer, familial, susceptibility to, 2 (BROVCA2). Also called: BRCA2 Hereditary Breast and Ovarian Cancer. Identifiers: Orphanet 145, MedGen C2675520, MONDO:0012933, OMIM 612555. Disease mechanism: loss of function.
Malignant tumor of breast. Also called: Malignant breast neoplasm; Cancer breast. Identifiers: MedGen C0006142, MONDO:0007254. Disease mechanism: loss of function.

Allele frequency attached by ClinVar (database versions not stated): gnomAD 0.00001; ExAC 0.00002; TOPMed 0.00002.
gnomAD v4.1: 139 of 1,612,080 alleles (0.0086%); highest among the groups gnomAD compares: Non-Finnish European, 0.011%; no homozygotes.

Submissions (13):

Labcorp Genetics (formerly Invitae), Labcorp
Classification: Likely benign for Hereditary breast ovarian cancer syndrome. Last evaluated: 2026-01-17. Review status: criteria provided, single submitter. Criteria: Invitae Variant Classification Sherloc (09022015). Collection method: clinical testing. Allele origin: germline.

PreventionGenetics, part of Exact Sciences
Classification: Likely benign for BRCA2-related condition. Last evaluated: 2025-05-05. Review status: criteria provided, single submitter. Criteria: ACMG Guidelines, 2015. Collection method: clinical testing. Allele origin: germline.
Comment: This variant is classified as likely benign based on ACMG/AMP sequence variant interpretation guidelines (Richards et al. 2015 PMID: 25741868, with internal and published modifications).

Center for Genomic Medicine, Rigshospitalet, Copenhagen University Hospital
Classification: Likely benign. Last evaluated: 2025-03-04. Review status: criteria provided, single submitter. Criteria: ACMG Guidelines, 2015. Collection method: clinical testing. Allele origin: germline.

University of Washington Department of Laboratory Medicine, University of Washington
Classification: Likely benign for Hereditary cancer-predisposing syndrome. Last evaluated: 2023-03-23. Review status: criteria provided, single submitter. Criteria: Dines et al. (Genet Med. 2020). Collection method: curation. Allele origin: germline.
Comment: Missense variant in a coldspot region where missense variants are very unlikely to be pathogenic (PMID:31911673).

BRCA2 exon 11 coldspot. Reclassification based on statistical prior probability.

Ambry Genetics
Classification: Likely benign for Hereditary cancer-predisposing syndrome. Last evaluated: 2022-07-18. Review status: criteria provided, single submitter. Criteria: Ambry Variant Classification Scheme 2023. Collection method: clinical testing. Allele origin: germline.

Sema4
Classification: Uncertain significance for Hereditary cancer-predisposing syndrome. Last evaluated: 2022-03-07. Review status: criteria provided, single submitter. Criteria: Sema4 Curation Guidelines. Collection method: curation. Allele origin: germline.
Comment: The BRCA2 c.5278T>G (p.S1760A) variant, also known as 5506T>G in the literature, has been reported in multiple individuals with breast cancer, ovarian cancer, or endometrial cancer (PMID: 27208206 32885271, 33471991). In particular, it is reported in 9/60,466 women with breast cancer and 2/53,461 controls by a large case-control study (PMID 33471991). Multifactorial likelihood models that integrate information on family segregation, pathology, and co-occurrences suggest that this variant is likely benign (PMID: 18375895, 24489791). This variant was observed in 7/113100 chromosomes in the Non-Finnish European population, according to the Genome Aggregation Database (PMID: 32461654) and has been reported in ClinVar (Variation ID: 91410). Functional studies have not been performed, and in silico predictions of the variant's effect on protein function are inconclusive. The evidence is insufficient to meet ACMG/AMP criteria for classifying the variant as benign or pathogenic. Thus, the clinical significance of this variant is currently uncertain.

Women's Health and Genetics/Laboratory Corporation of America, LabCorp
Classification: Likely benign. Last evaluated: 2021-04-02. Review status: criteria provided, single submitter. Criteria: LabCorp Variant Classification Summary - May 2015. Collection method: clinical testing. Allele origin: germline.
Comment: Variant summary: BRCA2 c.5278T>G (p.Ser1760Ala) results in a conservative amino acid change in the encoded protein sequence. Four of five in-silico tools predict a benign effect of the variant on protein function. The variant allele was found at a frequency of 3.2e-05 in 250644 control chromosomes. The available data on variant occurrences in the general population are insufficient to allow any conclusion about variant significance. c.5278T>G has been reported in the literature in individuals affected with breast cancer (example, Spurdle_2008, Whiley_2014). These report(s) do not provide unequivocal conclusions about association of the variant with Hereditary Breast And Ovarian Cancer Syndrome. To our knowledge, no experimental evidence demonstrating an impact on protein function has been reported. Five clinical diagnostic laboratories have submitted clinical-significance assessments for this variant to ClinVar after 2014 without evidence for independent evaluation and a majority consensus leaning towards a likely benign outcome (n=4) (VUS, n=1). Based on the emerging consensus among peers supporting a neutral outcome as evidence outlined above, the variant was re-classified as likely benign.

GeneDx
Classification: Likely benign. Last evaluated: 2021-03-30. Review status: criteria provided, single submitter. Criteria: GeneDx Variant Classification Process June 2021. Collection method: clinical testing. Allele origin: germline. Affected: yes.
Comment: Not observed at a significant frequency in large population cohorts (Lek et al., 2016); In silico analysis, which includes protein predictors and evolutionary conservation, supports a deleterious effect; This variant is associated with the following publications: (PMID: 21990134, 18375895, 24489791, 21990165, 27208206, 31131967)

Quest Diagnostics Nichols Institute San Juan Capistrano
Classification: Uncertain significance. Last evaluated: 2019-03-01. Review status: criteria provided, single submitter. Criteria: Quest Diagnostics criteria. Collection method: clinical testing. Allele origin: germline.

Color Diagnostics, LLC DBA Color Health
Classification: Likely benign for Hereditary cancer-predisposing syndrome. Last evaluated: 2017-08-18. Review status: criteria provided, single submitter. Criteria: ACMG Guidelines, 2015. Collection method: clinical testing. Allele origin: germline.

BRCAlab, Lund University
Classification: Uncertain significance for Breast-ovarian cancer, familial, susceptibility to, 2. Last evaluated: 2020-03-02. Review status: no assertion criteria provided. Collection method: clinical testing. Allele origin: germline. Affected: yes. Not counted in ClinVar's aggregate classification.

Sharing Clinical Reports Project (SCRP)
Classification: Uncertain significance for Breast-ovarian cancer, familial 2. Last evaluated: 2011-04-25. Review status: no assertion criteria provided. Collection method: clinical testing. Allele origin: germline. Not counted in ClinVar's aggregate classification.

Department of Pathology and Laboratory Medicine, Sinai Health System
Classification: Uncertain significance for Malignant tumor of breast. Review status: no assertion criteria provided. Collection method: clinical testing. Allele origin: unknown. Affected: yes. Study: The Canadian Open Genetics Repository (COGR). Not counted in ClinVar's aggregate classification.
Comment: BRCA2, EXON11, c.5278T>G, p.Ser1760Ala, Heterozygous, Uncertain Significance The BRCA2 p.Ser1760Ala variant was identified in 3 of 1548 proband chromosomes (frequency: 0.002) from Australian and British individuals or families with breast or ovarian cancer and was not identified in 360 control chromosomes from healthy individuals (Spurdle 2008, Plaskocinska 2016, Hondow 2011). The variant was identified in dbSNP (ID: rs28897735) as â€šÃ„ÃºWith other alleleâ€šÃ„Ã¹, ClinVar (classified as likely benign by GeneDx, Ambry Genetics and Color; and as uncertain significance by Invitae, SCRP and Integrated Genetics/Laboratory Corporation of America), and LOVD 3.0. The variant was not identified in UMD-LSDB. The variant was identified in control databases in 8 of 245312 chromosomes at a frequency of 0.00003 (Genome Aggregation Database Feb 27, 2017). It was observed in the following populations: Other in 1 of 5466 chromosomes (freq: 0.0002) and European Non-Finnish in 7 of 111174 chromosomes (freq: 0.00006), but not in the African, Latino, Ashkenazi Jewish, East Asian, European Finnish, or South Asian populations. The p.Ser1760 residue is conserved in mammals and computational analyses (PolyPhen-2, SIFT, AlignGVGD, BLOSUM, MutationTaster) provide inconsistent predictions regarding the impact of the Ala variant to the protein; this information is not very predictive of pathogenicity. The variant occurs outside of the splicing consensus sequence and in silico or computational prediction software programs (SpliceSiteFinder, MaxEntScan, NNSPLICE, GeneSplicer) do not predict a difference in splicing. In summary, based on the above information, the clinical significance of this variant cannot be determined with certainty at this time. This variant is classified as a variant of uncertain significance. Assessment Date: 2019/07/11. References (PMIDs): 18375895, 21990165, 27208206, 21702907, 21990134

Literature cited by the submitters: PubMed 27208206 (cited by 3 submitters); PubMed 28726806 (cited by Ambry Genetics); PubMed 31131967 (cited by Ambry Genetics); PubMed 33471991 (cited by Sema4); PubMed 18375895 (cited by 3 submitters); PubMed 24489791 (cited by 3 submitters); PubMed 21990134 (cited by Women's Health and Genetics/Laboratory Corporation of America, LabCorp and Quest Diagnostics Nichols Institute San Juan Capistrano); PubMed 21990165 (cited by Women's Health and Genetics/Laboratory Corporation of America, LabCorp and Quest Diagnostics Nichols Institute San Juan Capistrano); PubMed 21702907 (cited by Women's Health and Genetics/Laboratory Corporation of America, LabCorp).

NM_000059.4(BRCA2):c.5278T>G (p.Ser1760Ala)

Gene: BRCA2 (BRCA2 DNA repair associated; plus strand). Cytogenetic location: 13q13.1.
Variant type: single nucleotide variant.
Coding change: c.5278T>G on transcript NM_000059.4 (MANE Select); coding-DNA position 5278, T replaced by G.
Protein change: p.Ser1760Ala; replaces serine 1760 with alanine.
Molecular consequence: missense variant.
Genome position (GRCh38, 1-based): chr13:32,339,633, T>G. VCF-style: chr13-32339633-T-G. GRCh37 (hg19) VCF-style: chr13-32913770-T-G.
Other names: 5506T>G; short protein forms S1760A.
Identifiers: ClinVar variation 91410 (VCV000091410.32), dbSNP rs28897735, ClinGen allele CA021926.